The following is an entry in ClinVar:

ClinVar aggregate classification (germline): Likely benign. Review status: criteria provided, single submitter (1 of 4 stars). 2 submissions from 2 submitters: Likely benign (1). 1 of the submissions does not count toward it. Last evaluated 2025-06-19.

Conditions:
LRP4-related disorder. Also called: LRP4-related condition.
Congenital myasthenic syndrome 17. Identifiers: Orphanet 590, MedGen C4225377, MONDO:0014578, OMIM 616304.
Cenani-Lenz syndactyly syndrome. Also called: CENANI SYNDACTYLISM; SYNDACTYLY, TYPE VII. Identifiers: Orphanet 3258, MedGen C1859309, MONDO:0008931, OMIM 212780.
Sclerosteosis 2 (SOST2). Identifiers: Orphanet 3152, MedGen C3280402, MONDO:0013679, OMIM 614305.

Allele frequency attached by ClinVar (database versions not stated): gnomAD 0.00006; TOPMed 0.00002; ExAC 0.00004.
gnomAD v4.1: 75 of 1,614,126 alleles (0.0046%); highest among the groups gnomAD compares: Middle Eastern, 0.082%; no homozygotes.

Submissions (2):

Labcorp Genetics (formerly Invitae), Labcorp
Classification: Likely benign for Cenani-Lenz syndactyly syndrome; Sclerosteosis 2; Congenital myasthenic syndrome 17. Last evaluated: 2025-06-19. Review status: criteria provided, single submitter. Criteria: Invitae Variant Classification Sherloc (09022015). Collection method: clinical testing. Allele origin: germline.

PreventionGenetics, part of Exact Sciences
Classification: Likely benign for LRP4-related condition. Last evaluated: 2019-09-19. Review status: no assertion criteria provided. Collection method: clinical testing. Allele origin: germline. Not counted in ClinVar's aggregate classification.
Comment: This variant is classified as likely benign based on ACMG/AMP sequence variant interpretation guidelines (Richards et al. 2015 PMID: 25741868, with internal and published modifications).

NM_002334.4(LRP4):c.1584C>T (p.Thr528=)

Gene: LRP4 (LDL receptor related protein 4; minus strand). Cytogenetic location: 11p11.2.
Variant type: single nucleotide variant.
Coding change: c.1584C>T on transcript NM_002334.4 (MANE Select); coding-DNA position 1584, C replaced by T.
Protein change: p.Thr528=; no amino-acid change (threonine 528 retained).
Molecular consequence: synonymous variant.
Genome position (GRCh38, 1-based): chr11:46,893,086, G>A on the plus strand (C>T on the coding strand, the complement: LRP4 is on the minus strand). VCF-style: chr11-46893086-G-A. GRCh37 (hg19) VCF-style: chr11-46914637-G-A.
Identifiers: ClinVar variation 704473 (VCV000704473.12), dbSNP rs574108233, ClinGen allele CA5970107.